The following is an entry in ClinVar:

ClinVar aggregate classification (germline): Pathogenic/Likely pathogenic. Review status: criteria provided, multiple submitters, no conflicts (2 of 4 stars). 2 submissions from 2 submitters: Pathogenic (1); Likely pathogenic (1). Last evaluated 2023-06-24.

Conditions:
Succinate-semialdehyde dehydrogenase deficiency (SSADHD). Also called: Succinic Semialdehyde Dehydrogenase Deficiency; SSADH DEFICIENCY; 4-HYDROXYBUTYRIC ACIDURIA; GABA METABOLIC DEFECT. Identifiers: Orphanet 22, MedGen C0268631, MONDO:0010083, OMIM 271980.

Submissions (2):

Laboratory of Metabolic Disorders, Peking University First Hospital
Classification: Likely pathogenic for Succinate-semialdehyde dehydrogenase deficiency. Last evaluated: 2023-06-24. Review status: criteria provided, single submitter. Criteria: ACMG Guidelines, 2015. Collection method: clinical testing. Allele origin: inherited. Affected: yes.

Elsea Laboratory, Baylor College of Medicine
Classification: Pathogenic for Succinate-semialdehyde dehydrogenase deficiency. Last evaluated: 2021-03-08. Review status: criteria provided, single submitter. Criteria: Martin et al. (J Child Neurol. 2021). Collection method: curation. Allele origin: germline. Affected: yes.
Comment: catalytic domain

Literature cited by the submitters: PubMed 26220405 (cited by Elsea Laboratory, Baylor College of Medicine); PubMed 29895405 (cited by Elsea Laboratory, Baylor College of Medicine); PubMed 33203024 (cited by Elsea Laboratory, Baylor College of Medicine).

NM_001080.3(ALDH5A1):c.1274T>C (p.Leu425Pro)

Gene: ALDH5A1 (aldehyde dehydrogenase 5 family member A1; plus strand). Cytogenetic location: 6p22.3.
Variant type: single nucleotide variant.
Coding change: c.1274T>C on transcript NM_001080.3 (MANE Select); coding-DNA position 1274, T replaced by C.
Protein change: p.Leu425Pro; replaces leucine 425 with proline.
Molecular consequence: missense variant.
Genome position (GRCh38, 1-based): chr6:24,528,097, T>C. VCF-style: chr6-24528097-T-C. GRCh37 (hg19) VCF-style: chr6-24528325-T-C.
Other names: c.1130T>C, p.Leu377Pro (NM_001368954.1); c.1313T>C, p.Leu438Pro (NM_170740.1); short protein forms L438P, L377P, L425P.
Identifiers: ClinVar variation 1878482 (VCV001878482.4), dbSNP rs2532877266, ClinGen allele CA362978594.